The following is an entry in ClinVar:

ClinVar aggregate classification (germline): Uncertain significance (1 of 4 stars; one submission).

Submission:

GeneDx
Classification: Uncertain significance. Last evaluated: 2026-04-16. Review status: criteria provided, single submitter. Criteria: GeneDx Variant Classification Process June 2021. Collection method: clinical testing. Allele origin: germline.
Comment: Not observed at significant frequency in large population cohorts (gnomAD); In silico analysis suggests that this variant does not alter protein structure/function; Has not been previously published as pathogenic or benign to our knowledge

NM_018489.3(ASH1L):c.2150_2152delinsTTT (p.Pro717_Arg718delinsLeuTrp)

Gene: ASH1L (ASH1 like histone lysine methyltransferase; minus strand). Cytogenetic location: 1q22.
Variant type: Indel.
Coding change: c.2150_2152delinsTTT on transcript NM_018489.3 (MANE Select); coding-DNA positions 2150 to 2152, CTC replaced by TTT.
Protein change: p.Pro717_Arg718delinsLeuTrp.
Molecular consequence: missense variant.
Genome position (GRCh38, 1-based): chr1:155,480,718-155,480,720, GAG replaced by AAA on the plus strand (CTC replaced by TTT on the coding strand, the reverse complement: ASH1L is on the minus strand). VCF-style: chr1-155480718-GAG-AAA. GRCh37 (hg19) VCF-style: chr1-155450509-GAG-AAA.
Other names: c.2150_2152delinsTTT, p.Pro717_Arg718delinsLeuTrp (NM_001366177.2).
Identifiers: ClinVar variation 5037324 (VCV005037324.1).